The following is an entry in ClinVar:

ClinVar aggregate classification (germline): Benign/Likely benign. Review status: criteria provided, multiple submitters, no conflicts (2 of 4 stars). 3 submissions from 3 submitters: Benign (1); Likely benign (2). Last evaluated 2025-06-22.

Conditions:
Hereditary cancer-predisposing syndrome. Also called: Hereditary Cancer Syndrome; Tumor predisposition; Hereditary neoplastic syndrome; Neoplastic Syndromes, Hereditary. Identifiers: Orphanet 140162, MedGen C0027672, MeSH D009386, MONDO:0015356.
Juvenile polyposis syndrome (JPS). Identifiers: Orphanet 2929, MedGen C0345893, MONDO:0017380, OMIM 174900.

Submissions (3):

Labcorp Genetics (formerly Invitae), Labcorp
Classification: Likely benign for Juvenile polyposis syndrome. Last evaluated: 2025-06-22. Review status: criteria provided, single submitter. Criteria: Invitae Variant Classification Sherloc (09022015). Collection method: clinical testing. Allele origin: germline.

Ambry Genetics
Classification: Likely benign for Hereditary cancer-predisposing syndrome. Last evaluated: 2024-08-20. Review status: criteria provided, single submitter. Criteria: Ambry Variant Classification Scheme 2023. Collection method: clinical testing. Allele origin: germline.

Myriad Genetics, Inc.
Classification: Benign for Juvenile polyposis syndrome. Last evaluated: 2024-08-06. Review status: criteria provided, single submitter. Criteria: Myriad Autosomal Dominant, Autosomal Recessive and X-Linked Classification Criteria (2023). Collection method: clinical testing. Allele origin: unknown.
Comment: This variant is considered benign. This variant is a silent/synonymous amino acid change and it is not expected to impact splicing.

NM_004329.3(BMPR1A):c.1104C>A (p.Ile368=)

Gene: BMPR1A (bone morphogenetic protein receptor type 1A; plus strand). Cytogenetic location: 10q23.2.
Variant type: single nucleotide variant.
Coding change: c.1104C>A on transcript NM_004329.3 (MANE Select); coding-DNA position 1104, C replaced by A.
Protein change: p.Ile368=; no amino-acid change (isoleucine 368 retained).
Molecular consequence: synonymous variant. On other transcripts: non-coding transcript variant (3).
Genome position (GRCh38, 1-based): chr10:86,919,407, C>A. VCF-style: chr10-86919407-C-A. GRCh37 (hg19) VCF-style: chr10-88679164-C-A.
Other names: c.1104C>A, p.Ile368= (NM_001406577.1, NM_001406578.1, NM_001406579.1 and 19 more transcripts); c.1098C>A, p.Ile366= (NM_001406583.1); c.1020C>A, p.Ile340= (NM_001406584.1, NM_001406585.1, NM_001406586.1 and 2 more transcripts); c.762C>A, p.Ile254= (NM_001406589.1); c.1179C>A, p.Ile393= (NM_001406559.1); c.1152C>A, p.Ile384= (NM_001406560.1).
Identifiers: ClinVar variation 3378726 (VCV003378726.3).